The following is an entry in ClinVar:

NM_004172.5(SLC1A3):c.484G>T (p.Val162Leu)

Genes: SLC1A3 (solute carrier family 1 member 3; plus strand), SLC1A3-AS1 (SLC1A3 antisense RNA 1; minus strand). Cytogenetic location: 5p13.2.
Variant type: single nucleotide variant.
Coding change: c.484G>T on transcript NM_004172.5 (MANE Select); coding-DNA position 484, G replaced by T.
Protein change: p.Val162Leu; replaces valine 162 with leucine.
Molecular consequence: missense variant.
Genome position (GRCh38, 1-based): chr5:36,671,193, G>T. VCF-style: chr5-36671193-G-T. GRCh37 (hg19) VCF-style: chr5-36671295-G-T.
Other names: c.484G>T, p.Val162Leu (NM_001166695.3, NM_001289940.2); c.346G>T, p.Val116Leu (NM_001289939.2); short protein forms V116L, V162L.
Identifiers: ClinVar variation 3612823 (VCV003612823.2).

ClinVar aggregate classification (germline): Uncertain significance (1 of 4 stars; one submission).

Submission:

Labcorp Genetics (formerly Invitae), Labcorp
Classification: Uncertain significance. Last evaluated: 2024-05-13. Review status: criteria provided, single submitter. Criteria: Invitae Variant Classification Sherloc (09022015). Collection method: clinical testing. Allele origin: germline.
Comment: This sequence change replaces valine, which is neutral and non-polar, with leucine, which is neutral and non-polar, at codon 162 of the SLC1A3 protein (p.Val162Leu). This variant is present in population databases (no rsID available, gnomAD 0.002%). This variant has not been reported in the literature in individuals affected with SLC1A3-related conditions. Advanced modeling of protein sequence and biophysical properties (such as structural, functional, and spatial information, amino acid conservation, physicochemical variation, residue mobility, and thermodynamic stability) performed at Invitae indicates that this missense variant is not expected to disrupt SLC1A3 protein function with a negative predictive value of 80%. In summary, the available evidence is currently insufficient to determine the role of this variant in disease. Therefore, it has been classified as a Variant of Uncertain Significance.